The following is an entry in ClinVar:

ClinVar aggregate classification (germline): Uncertain significance (1 of 4 stars; one submission).

Submission:

Labcorp Genetics (formerly Invitae), Labcorp
Classification: Uncertain significance. Last evaluated: 2022-06-18. Review status: criteria provided, single submitter. Criteria: Invitae Variant Classification Sherloc (09022015). Collection method: clinical testing. Allele origin: germline.
Comment: In summary, the available evidence is currently insufficient to determine the role of this variant in disease. Therefore, it has been classified as a Variant of Uncertain Significance. Algorithms developed to predict the effect of sequence changes on RNA splicing suggest that this variant may create or strengthen a splice site. Algorithms developed to predict the effect of missense changes on protein structure and function are either unavailable or do not agree on the potential impact of this missense change (SIFT: "Deleterious"; PolyPhen-2: "Probably Damaging"; Align-GVGD: "Class C15"). This variant has not been reported in the literature in individuals affected with GRM6-related conditions. This variant is not present in population databases (gnomAD no frequency). This sequence change replaces serine, which is neutral and polar, with arginine, which is basic and polar, at codon 624 of the GRM6 protein (p.Ser624Arg).

NM_000843.4(GRM6):c.1872C>G (p.Ser624Arg)

Genes: GRM6 (glutamate metabotropic receptor 6; minus strand), ZNF454 (zinc finger protein 454; plus strand). Cytogenetic location: 5q35.3.
Variant type: single nucleotide variant.
Coding change: c.1872C>G on transcript NM_000843.4 (MANE Select); coding-DNA position 1872, C replaced by G.
Protein change: p.Ser624Arg; replaces serine 624 with arginine.
Molecular consequence: missense variant.
Genome position (GRCh38, 1-based): chr5:178,986,382, G>C on the plus strand (C>G on the coding strand, the complement: GRM6 is on the minus strand). VCF-style: chr5-178986382-G-C. GRCh37 (hg19) VCF-style: chr5-178413383-G-C.
Other names: short protein forms S624R.
Identifiers: ClinVar variation 2008109 (VCV002008109.4), dbSNP rs1760548177, ClinGen allele CA362426284.